The following is an entry in ClinVar:

ClinVar aggregate classification (germline): Uncertain significance (1 of 4 stars; one submission).

gnomAD v4.1: 1 of 1,611,280 alleles (0.000062%); highest among the groups gnomAD compares: Non-Finnish European, 0.000085%; no homozygotes.

Submission:

Labcorp Genetics (formerly Invitae), Labcorp
Classification: Uncertain significance. Last evaluated: 2021-09-24. Review status: criteria provided, single submitter. Criteria: Invitae Variant Classification Sherloc (09022015). Collection method: clinical testing. Allele origin: germline.
Comment: This sequence change replaces proline with alanine at codon 461 of the SLC12A6 protein (p.Pro461Ala). The proline residue is weakly conserved and there is a small physicochemical difference between proline and alanine. This variant is not present in population databases (ExAC no frequency). This variant has not been reported in the literature in individuals with SLC12A6-related conditions. Algorithms developed to predict the effect of missense changes on protein structure and function output the following: SIFT: "Tolerated"; PolyPhen-2: "Benign"; Align-GVGD: "Class C0". The alanine amino acid residue is found in multiple mammalian species, suggesting that this missense change does not adversely affect protein function. These predictions have not been confirmed by published functional studies and their clinical significance is uncertain. In summary, the available evidence is currently insufficient to determine the role of this variant in disease. Therefore, it has been classified as a Variant of Uncertain Significance.

NM_001365088.1(SLC12A6):c.1381C>G (p.Pro461Ala)

Gene: SLC12A6 (solute carrier family 12 member 6; minus strand). Cytogenetic location: 15q14.
Variant type: single nucleotide variant.
Coding change: c.1381C>G on transcript NM_001365088.1 (MANE Select); coding-DNA position 1381, C replaced by G.
Protein change: p.Pro461Ala; replaces proline 461 with alanine.
Molecular consequence: missense variant.
Genome position (GRCh38, 1-based): chr15:34,251,010, G>C on the plus strand (C>G on the coding strand, the complement: SLC12A6 is on the minus strand). VCF-style: chr15-34251010-G-C. GRCh37 (hg19) VCF-style: chr15-34543211-G-C.
Other names: c.1204C>G, p.Pro402Ala (NM_001042494.2, NM_001042495.2); c.1354C>G, p.Pro452Ala (NM_001042496.2); c.1336C>G, p.Pro446Ala (NM_001042497.2); c.1228C>G, p.Pro410Ala (NM_005135.2); c.1381C>G, p.Pro461Ala (NM_133647.2); short protein forms P446A, P452A, P410A, P402A, P461A.
Identifiers: ClinVar variation 1436222 (VCV001436222.5), dbSNP rs1892350716, ClinGen allele CA391606321.